The following is an entry in ClinVar:

ClinVar aggregate classification (germline): Uncertain significance (1 of 4 stars; one submission).

Submission:

ISCA Site 6
Classification: Uncertain significance. Last evaluated: 2011-08-12. Review status: criteria provided, single submitter. Criteria: Kaminsky et al. (Genet Med. 2011). Collection method: clinical testing. Allele origin: unknown. Affected: yes. Observed: 1 variant allele.
Comment: Copy number variation identified through the course of routine clinical cytogenomic testing in postnatal populations. Clinical assertions have been curated as described in Kaminsky et al. 2011.

GRCh38/hg38 22q11.23(chr22:23338443-24610403)x3

Genes: ADORA2A (adenosine A2a receptor; plus strand), ADORA2A-AS1 (ADORA2A antisense RNA 1; minus strand), C22orf15 (chromosome 22 open reading frame 15; plus strand), CABIN1 (calcineurin binding protein 1; plus strand), CHCHD10 (coiled-coil-helix-coiled-coil-helix domain containing 10; minus strand) and 73 more. Cytogenetic location: 22q11.23.
Variant type: copy number gain.
Change: copy number 3 (three copies instead of two) of chr22:23,338,443-24,610,403 (1.27 Mb, GRCh38 coordinates, 1-based), cytogenetic band 22q11.23.
Identifiers: ClinVar variation 59340 (VCV000059340.2).